The following is an entry in ClinVar:

NM_000936.4(PNLIP):c.129A>G (p.Ile43Met)

Gene: PNLIP (pancreatic lipase; plus strand). Cytogenetic location: 10q25.3.
Variant type: single nucleotide variant.
Coding change: c.129A>G on transcript NM_000936.4 (MANE Select); coding-DNA position 129, A replaced by G.
Protein change: p.Ile43Met; replaces isoleucine 43 with methionine.
Molecular consequence: missense variant.
Genome position (GRCh38, 1-based): chr10:116,547,376, A>G. VCF-style: chr10-116547376-A-G. GRCh37 (hg19) VCF-style: chr10-118306888-A-G.
Other names: short protein forms I43M.
Identifiers: ClinVar variation 1999079 (VCV001999079.4), dbSNP rs2493043281, ClinGen allele CA378490298.
Genomic context (GRCh38, chr10:116,547,376, plus strand): 5'-ACTCGGCTGCTTCAGTGATGACTCCCCATGGTCAGGAATTACGGAAAGACCCCTCCATAT[A>G]TTGCCTTGGTCTCCAAAAGATGTCAACACCCGCTTCCTCCTATATACTAATGAGAACCCA-3'
Protein context (NP_000927.1, residues 33-53): WSGITERPLH[Ile43Met]LPWSPKDVNT

ClinVar aggregate classification (germline): Uncertain significance (1 of 4 stars; one submission).

Submission:

Labcorp Genetics (formerly Invitae), Labcorp
Classification: Uncertain significance. Last evaluated: 2025-05-05. Review status: criteria provided, single submitter. Criteria: Invitae Variant Classification Sherloc (09022015). Collection method: clinical testing. Allele origin: germline.
Comment: This sequence change replaces isoleucine, which is neutral and non-polar, with methionine, which is neutral and non-polar, at codon 43 of the PNLIP protein (p.Ile43Met). This variant is not present in population databases (gnomAD no frequency). This variant has not been reported in the literature in individuals affected with PNLIP-related conditions. ClinVar contains an entry for this variant (Variation ID: 1999079). An algorithm developed to predict the effect of missense changes on protein structure and function (PolyPhen-2) suggests that this variant is likely to be tolerated. In summary, the available evidence is currently insufficient to determine the role of this variant in disease. Therefore, it has been classified as a Variant of Uncertain Significance.